The following is an entry in ClinVar:

ClinVar aggregate classification (germline): Uncertain significance (1 of 4 stars; one submission).

Submission:

Greenwood Genetic Center Diagnostic Laboratories, Greenwood Genetic Center
Classification: Uncertain significance. Last evaluated: 2021-06-17. Review status: criteria provided, single submitter. Criteria: ACMG Guidelines, 2015. Collection method: clinical testing. Allele origin: germline. Affected: yes.
Comment: PP3, PM2

NM_001171.6(ABCC6):c.221T>A (p.Val74Glu)

Gene: ABCC6 (ATP binding cassette subfamily C member 6; minus strand). Cytogenetic location: 16p13.11.
Variant type: single nucleotide variant.
Coding change: c.221T>A on transcript NM_001171.6 (MANE Select); coding-DNA position 221, T replaced by A.
Protein change: p.Val74Glu; replaces valine 74 with glutamic acid.
Molecular consequence: missense variant. On other transcripts: 5 prime UTR variant (1), non-coding transcript variant (1).
Genome position (GRCh38, 1-based): chr16:16,219,946, A>T on the plus strand (T>A on the coding strand, the complement: ABCC6 is on the minus strand). VCF-style: chr16-16219946-A-T. GRCh37 (hg19) VCF-style: chr16-16313803-A-T.
Other names: c.-122T>A (NM_001351800.1); short protein forms V74E.
Identifiers: ClinVar variation 1334480 (VCV001334480.4), dbSNP rs2141220850, ClinGen allele CA394893688.
Genomic context (GRCh38, chr16:16,219,946, plus strand): 5'-ATTTTCCAAAGAGCGACAGCCACGCTGGAGGTACACAGGACTATGAGGGCGAATCCAAGC[A>T]CCTGAGGATACAGGCTTAGATAAGCTTGGGGGGCAATAAGAGAGGTCACAGCAAACTGGT-3'
Protein context (NP_001162.5, residues 64-84): RMSPLFKAKM[Val74Glu]LGFALIVLCT